The following is an entry in ClinVar:

ClinVar aggregate classification (germline): Pathogenic/Likely pathogenic. Review status: criteria provided, multiple submitters, no conflicts (2 of 4 stars). 3 submissions from 3 submitters: Pathogenic (1); Likely pathogenic (2). Last evaluated 2021-06-14.

Conditions:
PDE6A-related disorder. Also called: PDE6A-related condition.
Retinitis pigmentosa 43 (RP43). Identifiers: Orphanet 791, MedGen C3151139, MONDO:0013437, OMIM 613810.
Retinal dystrophy. Also called: Inherited retinal dystrophy. Identifiers: Orphanet 71862, MedGen C0854723, MeSH D058499, MONDO:0019118, HP:0000556.

gnomAD v4.1: 2 of 1,612,874 alleles (0.00012%); highest among the groups gnomAD compares: African/African-American, 0.0013%; no homozygotes.

Submissions (3):

Blueprint Genetics
Classification: Likely pathogenic for PDE6A-related disorders. Last evaluated: 2021-06-14. Review status: criteria provided, single submitter. Criteria: ACMG Guidelines, 2015. Collection method: clinical testing. Allele origin: germline. Affected: yes. Observed: 3 variant alleles.

Institute of Human Genetics, Univ. Regensburg, Univ. Regensburg
Classification: Pathogenic for Retinal dystrophy. Last evaluated: 2018-01-01. Review status: criteria provided, single submitter. Criteria: ACMG Guidelines, 2015. Collection method: clinical testing. Allele origin: germline. Affected: yes.

Juno Genomics, Hangzhou Juno Genomics, Inc
Classification: Likely pathogenic for Retinitis pigmentosa 43. Review status: criteria provided, single submitter. Criteria: ACMG Guidelines, 2015. Collection method: clinical testing. Allele origin: germline.
Comment: Null variant in a gene where loss of function (LOF) is a known mechanism of disease.;Absent from controls (or at extremely low frequency if recessive) in Genome Aggregation Database.

Literature cited by the submitters: PubMed 31964843 (cited by Institute of Human Genetics, Univ. Regensburg, Univ. Regensburg).

NM_000440.3(PDE6A):c.706C>T (p.Arg236Ter)

Gene: PDE6A (phosphodiesterase 6A; minus strand). Cytogenetic location: 5q32.
Variant type: single nucleotide variant.
Coding change: c.706C>T on transcript NM_000440.3 (MANE Select); coding-DNA position 706, C replaced by T.
Protein change: p.Arg236Ter; replaces arginine 236 with a stop codon.
Molecular consequence: nonsense. On other transcripts: intron variant (1).
Genome position (GRCh38, 1-based): chr5:149,933,941, G>A on the plus strand (C>T on the coding strand, the complement: PDE6A is on the minus strand). VCF-style: chr5-149933941-G-A. GRCh37 (hg19) VCF-style: chr5-149313504-G-A.
Other names: c.475-2773C>T (NM_001410788.1); short protein forms R236*.
Identifiers: ClinVar variation 3250263 (VCV003250263.4).